The following is an entry in ClinVar:

ClinVar aggregate classification (germline): Pathogenic (1 of 4 stars; one submission).

Conditions:
Peroxisome biogenesis disorder 11A (Zellweger). Also called: Peroxisome biogenesis disorder 11A. Identifiers: Orphanet 912, MedGen C3554000, MONDO:0013949, OMIM 614883.

Submission:

Labcorp Genetics (formerly Invitae), Labcorp
Classification: Pathogenic for Peroxisome biogenesis disorder 11A (Zellweger). Last evaluated: 2023-05-23. Review status: criteria provided, single submitter. Criteria: Invitae Variant Classification Sherloc (09022015). Collection method: clinical testing. Allele origin: germline.
Comment: For these reasons, this variant has been classified as Pathogenic. This variant has not been reported in the literature in individuals affected with PEX13-related conditions. This variant is not present in population databases (gnomAD no frequency). This sequence change creates a premature translational stop signal (p.Tyr248*) in the PEX13 gene. It is expected to result in an absent or disrupted protein product. Loss-of-function variants in PEX13 are known to be pathogenic (PMID: 10332040, 21031596).

Literature cited by the submitters: PubMed 10332040; PubMed 21031596.

NM_002618.4(PEX13):c.744C>G (p.Tyr248Ter)

Gene: PEX13 (peroxisomal biogenesis factor 13; plus strand). Cytogenetic location: 2p15.
Variant type: single nucleotide variant.
Coding change: c.744C>G on transcript NM_002618.4 (MANE Select); coding-DNA position 744, C replaced by G.
Protein change: p.Tyr248Ter; replaces tyrosine 248 with a stop codon.
Molecular consequence: nonsense.
Genome position (GRCh38, 1-based): chr2:61,032,070, C>G. VCF-style: chr2-61032070-C-G. GRCh37 (hg19) VCF-style: chr2-61259205-C-G.
Other names: short protein forms Y248*.
Identifiers: ClinVar variation 2722852 (VCV002722852.3), dbSNP rs759431249, ClinGen allele CA346944752.